The following is an entry in ClinVar:

ClinVar aggregate classification (germline): Uncertain significance (1 of 4 stars; one submission).

Conditions:
Combined immunodeficiency due to DOCK8 deficiency (HIES2). Also called: Hyper-IgE recurrent infection syndrome, autosomal recessive; DOCK8 Deficiency; HYPER-IgE RECURRENT INFECTION SYNDROME 2, AUTOSOMAL RECESSIVE; HIES autosomal recessive; HYPER-IgE SYNDROME 2, AUTOSOMAL RECESSIVE, WITH RECURRENT INFECTIONS. Identifiers: Orphanet 217390, MedGen C4722305, MONDO:0009478, OMIM 243700.

Allele frequency attached by ClinVar (database versions not stated): 1000 Genomes Project 0.00020; 1000 Genomes Project 30x 0.00031.
gnomAD v4.1: 23 of 1,614,204 alleles (0.0014%); highest among the groups gnomAD compares: South Asian, 0.02%; no homozygotes.

Submission:

Labcorp Genetics (formerly Invitae), Labcorp
Classification: Uncertain significance for Combined immunodeficiency due to DOCK8 deficiency. Last evaluated: 2024-05-01. Review status: criteria provided, single submitter. Criteria: Invitae Variant Classification Sherloc (09022015). Collection method: clinical testing. Allele origin: germline.
Comment: This sequence change replaces alanine, which is neutral and non-polar, with valine, which is neutral and non-polar, at codon 318 of the DOCK8 protein (p.Ala318Val). This variant is present in population databases (rs376791111, gnomAD 0.02%). This variant has not been reported in the literature in individuals affected with DOCK8-related conditions. ClinVar contains an entry for this variant (Variation ID: 1421401). Advanced modeling of protein sequence and biophysical properties (such as structural, functional, and spatial information, amino acid conservation, physicochemical variation, residue mobility, and thermodynamic stability) performed at Invitae indicates that this missense variant is not expected to disrupt DOCK8 protein function with a negative predictive value of 80%. In summary, the available evidence is currently insufficient to determine the role of this variant in disease. Therefore, it has been classified as a Variant of Uncertain Significance.

NM_203447.4(DOCK8):c.953C>T (p.Ala318Val)

Gene: DOCK8 (dedicator of cytokinesis 8; plus strand). Cytogenetic location: 9p24.3.
Variant type: single nucleotide variant.
Coding change: c.953C>T on transcript NM_203447.4 (MANE Select); coding-DNA position 953, C replaced by T.
Protein change: p.Ala318Val; replaces alanine 318 with valine.
Molecular consequence: missense variant.
Genome position (GRCh38, 1-based): chr9:328,080, C>T. VCF-style: chr9-328080-C-T. GRCh37 (hg19) VCF-style: chr9-328080-C-T.
Other names: c.749C>T, p.Ala250Val (NM_001190458.2, NM_001193536.2); short protein forms A250V, A318V.
Identifiers: ClinVar variation 1421401 (VCV001421401.8), dbSNP rs376791111, ClinGen allele CA4957542.
Genomic context (GRCh38, chr9:328,080, plus strand): 5'-AGATCTCAGAAAATTTTCACTGTGACCTGAACTCTGACCAGTTCAAAGGATTTCTGCGAG[C>T]TCACACGCCTTCAGTGGCCGCATCAAGTCAGGCGAGATCTGCAGTCTTCTCAGTCACCTA-3'
Protein context (NP_982272.2, residues 308-328): NSDQFKGFLR[Ala318Val]HTPSVAASSQ